The following is an entry in ClinVar:

NM_001273.5(CHD4):c.1686+9A>G

Gene: CHD4 (chromodomain helicase DNA binding protein 4; minus strand). Cytogenetic location: 12p13.31.
Variant type: single nucleotide variant.
Coding change: c.1686+9A>G on transcript NM_001273.5 (MANE Select); 9 bases into the intron after coding-DNA position 1686, A replaced by G.
Molecular consequence: intron variant.
Genome position (GRCh38, 1-based): chr12:6,598,213, T>C on the plus strand (A>G on the coding strand, the complement: CHD4 is on the minus strand). VCF-style: chr12-6598213-T-C. GRCh37 (hg19) VCF-style: chr12-6707379-T-C.
Other names: c.1647+9A>G (NM_001363606.2); c.1665+9A>G (NM_001297553.2).
Identifiers: ClinVar variation 733701 (VCV000733701.6), dbSNP rs201167959, ClinGen allele CA6412188.

ClinVar aggregate classification (germline): Benign/Likely benign. Review status: criteria provided, multiple submitters, no conflicts (2 of 4 stars). 3 submissions from 3 submitters: Benign (1); Likely benign (1). 1 of the submissions does not count toward it. Last evaluated 2019-11-08.

Conditions:
CHD4-related disorder. Also called: CHD4-related condition.

Allele frequency attached by ClinVar (database versions not stated): gnomAD exomes 0.00016; ExAC 0.00017; gnomAD 0.00061 and 0.00063; TOPMed 0.00073; ESP Exome Variant Server 0.00077; 1000 Genomes Project 0.00080; 1000 Genomes Project 30x 0.00094.
gnomAD v4.1: 150 of 1,611,568 alleles (0.0093%); highest among the groups gnomAD compares: African/African-American, 0.19%; no homozygotes.

Submissions (3):

Blueprint Genetics
Classification: Likely benign. Last evaluated: 2019-11-08. Review status: criteria provided, single submitter. Criteria: ACMG Guidelines, 2015. Collection method: clinical testing. Allele origin: germline.

Labcorp Genetics (formerly Invitae), Labcorp
Classification: Benign. Last evaluated: 2018-01-19. Review status: criteria provided, single submitter. Criteria: Invitae Variant Classification Sherloc (09022015). Collection method: clinical testing. Allele origin: germline.

PreventionGenetics, part of Exact Sciences
Classification: Likely benign for CHD4-related condition. Last evaluated: 2019-02-16. Review status: no assertion criteria provided. Collection method: clinical testing. Allele origin: germline. Not counted in ClinVar's aggregate classification.
Comment: This variant is classified as likely benign based on ACMG/AMP sequence variant interpretation guidelines (Richards et al. 2015 PMID: 25741868, with internal and published modifications).